The following is an entry in ClinVar:

ClinVar aggregate classification (germline): Conflicting classifications of pathogenicity. Review status: criteria provided, conflicting classifications (1 of 4 stars). 4 submissions from 4 submitters: Uncertain significance (3); Likely benign (1). Last evaluated 2024-02-22.

Conditions:
Hyperthyroxinemia, dystransthyretinemic. Also called: EUTHRYROIDAL HYPERTHYROXINEMIA 2; HYPERTHYROXINEMIA, DYSPREALBUMINEMIC. Identifiers: MedGen C2750824, MONDO:0007785, OMIM 145680.
Carpal tunnel syndrome 1 (CTS1). Also called: Carpal tunnel syndrome, familial. Identifiers: MedGen C5779776, MONDO:0020730, OMIM 115430.
Amyloidosis, hereditary systemic 1 (AMYLD1). Also called: Isolated Cardiac Amyloidosis; Amyloid Cardiomyopathy, Transthyretin-related; AMYLOID CARDIOMYOPATHY; Hereditary Transthyretin Amyloidosis; Transthyretin Amyloidosis; Familial amyloid polyneuropathy. Identifiers: Orphanet 85447, Orphanet 85451, MedGen C2751492, MONDO:0971004, OMIM 105210.
Cardiovascular phenotype. Identifiers: MedGen CN230736.

Allele frequency attached by ClinVar (database versions not stated): ExAC 0.00001; gnomAD exomes 0.00002.
gnomAD v4.1: 24 of 1,614,152 alleles (0.0015%); highest among the groups gnomAD compares: South Asian, 0.025%; no homozygotes.

Submissions (4):

Revvity Omics, Revvity
Classification: Uncertain significance. Last evaluated: 2024-02-22. Review status: criteria provided, single submitter. Criteria: ACMG Guidelines, 2015. Collection method: clinical testing. Allele origin: germline.

Fulgent Genetics
Classification: Uncertain significance for Amyloidosis, hereditary systemic 1; Carpal tunnel syndrome 1; Hyperthyroxinemia, dystransthyretinemic. Last evaluated: 2024-02-19. Review status: criteria provided, single submitter. Criteria: ACMG Guidelines, 2015. Collection method: clinical testing. Allele origin: germline.

Ambry Genetics
Classification: Uncertain significance for Cardiovascular phenotype. Last evaluated: 2022-01-04. Review status: criteria provided, single submitter. Criteria: Ambry Variant Classification Scheme 2023. Collection method: clinical testing. Allele origin: germline.
Comment: The p.E147* variant (also known as c.439G>T), located in coding exon 4 of the TTR gene, results from a G to T substitution at nucleotide position 439. This changes the amino acid from a glutamic acid to a stop codon within coding exon 4. This alteration is expected to result in premature protein truncation or nonsense-mediated mRNA decay. However, loss of function of TTR has not been clearly established as a mechanism of disease. Since supporting evidence is limited at this time, the clinical significance of this alteration remains unclear.

GeneDx
Classification: Likely benign. Last evaluated: 2011-07-26. Review status: criteria provided, single submitter. Criteria: GeneDx Variant Classification (06012015). Collection method: clinical testing. Allele origin: germline. Affected: yes.
Comment: This variant is considered likely benign or benign based on one or more of the following criteria: it is a conservative change, it occurs at a poorly conserved position in the protein, it is predicted to be benign by multiple in silico algorithms, and/or has population frequency not consistent with disease.

NM_000371.4(TTR):c.439G>T (p.Glu147Ter)

Gene: TTR (transthyretin; plus strand). Cytogenetic location: 18q12.1.
Variant type: single nucleotide variant.
Coding change: c.439G>T on transcript NM_000371.4 (MANE Select); coding-DNA position 439, G replaced by T.
Protein change: p.Glu147Ter; replaces glutamic acid 147 with a stop codon.
Molecular consequence: nonsense.
Genome position (GRCh38, 1-based): chr18:31,598,670, G>T. VCF-style: chr18-31598670-G-T. GRCh37 (hg19) VCF-style: chr18-29178633-G-T.
Other names: p.E147*:GAA>TAA; short protein forms E147*.
Identifiers: ClinVar variation 181691 (VCV000181691.5), dbSNP rs730881162, ClinGen allele CA297516.